The following is an entry in ClinVar:

NM_006494.4(ERF):c.739C>A (p.Pro247Thr)

Gene: ERF (ETS2 repressor factor; minus strand). Cytogenetic location: 19q13.2.
Variant type: single nucleotide variant.
Coding change: c.739C>A on transcript NM_006494.4 (MANE Select); coding-DNA position 739, C replaced by A.
Protein change: p.Pro247Thr; replaces proline 247 with threonine.
Molecular consequence: missense variant.
Genome position (GRCh38, 1-based): chr19:42,249,373, G>T on the plus strand (C>A on the coding strand, the complement: ERF is on the minus strand). VCF-style: chr19-42249373-G-T. GRCh37 (hg19) VCF-style: chr19-42753525-G-T.
Other names: c.514C>A, p.Pro172Thr (NM_001301035.2, NM_001308402.2, NM_001312656.2); short protein forms P172T, P247T.
Identifiers: ClinVar variation 1311348 (VCV001311348.2), dbSNP rs371883298, ClinGen allele CA406110759.

ClinVar aggregate classification (germline): Uncertain significance (1 of 4 stars; one submission).

gnomAD v4.1: 2 of 1,576,088 alleles (0.00013%); highest among the groups gnomAD compares: Non-Finnish European, 0.00017%; no homozygotes.

Submission:

GeneDx
Classification: Uncertain significance. Last evaluated: 2020-01-22. Review status: criteria provided, single submitter. Criteria: GeneDx Variant Classification Process June 2021. Collection method: clinical testing. Allele origin: germline. Affected: yes.
Comment: Not observed in large population cohorts (Lek et al., 2016); In silico analysis, which includes protein predictors and evolutionary conservation, supports a deleterious effect; Has not been previously published as pathogenic or benign to our knowledge